The following is an entry in ClinVar:

ClinVar aggregate classification (germline): Uncertain significance (1 of 4 stars; one submission).

Submission:

Labcorp Genetics (formerly Invitae), Labcorp
Classification: Uncertain significance. Last evaluated: 2025-09-12. Review status: criteria provided, single submitter. Criteria: Invitae Variant Classification Sherloc (09022015). Collection method: clinical testing. Allele origin: germline.
Comment: This variant, c.78_89dup, results in the insertion of 4 amino acid(s) of the PODXL protein (p.Pro28_Ser31dup), but otherwise preserves the integrity of the reading frame. This variant is present in population databases (rs759639123, gnomAD 0.03%). This variant has not been reported in the literature in individuals affected with PODXL-related conditions. Experimental studies and prediction algorithms are not available or were not evaluated, and the functional significance of this variant is currently unknown. In summary, the available evidence is currently insufficient to determine the role of this variant in disease. Therefore, it has been classified as a Variant of Uncertain Significance.

NM_001018111.3(PODXL):c.66GTCGCC[6] (p.24PS[6])

Genes: PODXL (podocalyxin like; minus strand), LOC129999375 (ATAC-STARR-seq lymphoblastoid silent region 18663; plus strand). Cytogenetic location: 7q32.3.
Variant type: Microsatellite.
Coding change: c.66GTCGCC[6] on transcript NM_001018111.3 (MANE Select); six copies in a row of the 6-base unit GTCGCC starting at c.66; the reference has four copies in a row; two copies, 12 bases duplicated.
Protein change: p.24PS[6].
Molecular consequence: inframe insertion.
Genome position (GRCh38, 1-based): chr7:131,556,271-131,556,282, GGCGACGGCGAC duplicated on the plus strand (GTCGCCGTCGCC on the coding strand, the reverse complement: PODXL is on the minus strand); duplicating any 12 consecutive bases within chr7:131,556,271-131,556,295 gives the same sequence; the position shown is the placement nearest the transcript's 3' end. VCF-style (leftmost placement, unchanged base first): chr7-131556270-G-GGGCGACGGCGAC. GRCh37 (hg19) VCF-style: chr7-131241029-G-GGGCGACGGCGAC.
Other names: c.66GTCGCC[6], p.24PS[6] (NM_005397.4).
Identifiers: ClinVar variation 1433965 (VCV001433965.6), dbSNP rs11277659, ClinGen allele CA4488791.